The following is an entry in ClinVar:

NM_004336.5(BUB1):c.2710A>G (p.Met904Val)

Gene: BUB1 (BUB1 mitotic checkpoint serine/threonine kinase; minus strand). Cytogenetic location: 2q13.
Variant type: single nucleotide variant.
Coding change: c.2710A>G on transcript NM_004336.5 (MANE Select); coding-DNA position 2710, A replaced by G.
Protein change: p.Met904Val; replaces methionine 904 with valine.
Molecular consequence: missense variant. On other transcripts: intron variant (1).
Genome position (GRCh38, 1-based): chr2:110,641,380, T>C on the plus strand (A>G on the coding strand, the complement: BUB1 is on the minus strand). VCF-style: chr2-110641380-T-C. GRCh37 (hg19) VCF-style: chr2-111398957-T-C.
Other names: c.2650A>G, p.Met884Val (NM_001278616.2); c.2626-188A>G (NM_001278617.2); short protein forms M904V, M884V.
Identifiers: ClinVar variation 1795071 (VCV001795071.4), dbSNP rs1402332194, ClinGen allele CA348089683.

ClinVar aggregate classification (germline): Uncertain significance. Review status: criteria provided, multiple submitters, no conflicts (2 of 4 stars). 2 submissions from 2 submitters: Uncertain significance (2). Last evaluated 2024-10-06.

Allele frequency attached by ClinVar (database versions not stated): gnomAD exomes below 0.00001; gnomAD 0.00001.
gnomAD v4.1: 7 of 1,613,998 alleles (0.00043%); highest among the groups gnomAD compares: Non-Finnish European, 0.00059%; no homozygotes.

Submissions (2):

Labcorp Genetics (formerly Invitae), Labcorp
Classification: Uncertain significance. Last evaluated: 2024-10-06. Review status: criteria provided, single submitter. Criteria: Invitae Variant Classification Sherloc (09022015). Collection method: clinical testing. Allele origin: germline.
Comment: This sequence change replaces methionine, which is neutral and non-polar, with valine, which is neutral and non-polar, at codon 904 of the BUB1 protein (p.Met904Val). This variant is present in population databases (no rsID available, gnomAD 0.007%). This variant has not been reported in the literature in individuals affected with BUB1-related conditions. ClinVar contains an entry for this variant (Variation ID: 1795071). Experimental studies and prediction algorithms are not available or were not evaluated, and the functional significance of this variant is currently unknown. In summary, the available evidence is currently insufficient to determine the role of this variant in disease. Therefore, it has been classified as a Variant of Uncertain Significance.

Ambry Genetics
Classification: Uncertain significance. Last evaluated: 2024-02-01. Review status: criteria provided, single submitter. Criteria: Ambry Variant Classification Scheme 2023. Collection method: clinical testing. Allele origin: germline.
Comment: The p.M904V variant (also known as c.2710A>G), located in coding exon 22 of the BUB1 gene, results from an A to G substitution at nucleotide position 2710. The methionine at codon 904 is replaced by valine, an amino acid with highly similar properties. This amino acid position is conserved. In addition, the in silico prediction for this alteration is inconclusive. Since supporting evidence is limited at this time, the clinical significance of this alteration remains unclear.